The following is an entry in ClinVar:

NM_174934.4(SCN4B):c.184G>C (p.Glu62Gln)

Gene: SCN4B (sodium voltage-gated channel beta subunit 4; minus strand). Cytogenetic location: 11q23.3.
Variant type: single nucleotide variant.
Coding change: c.184G>C on transcript NM_174934.4 (MANE Select); coding-DNA position 184, G replaced by C.
Protein change: p.Glu62Gln; replaces glutamic acid 62 with glutamine.
Molecular consequence: missense variant. On other transcripts: 5 prime UTR variant (1), non-coding transcript variant (1), intron variant (1).
Genome position (GRCh38, 1-based): chr11:118,145,107, C>G on the plus strand (G>C on the coding strand, the complement: SCN4B is on the minus strand). VCF-style: chr11-118145107-C-G. GRCh37 (hg19) VCF-style: chr11-118015822-C-G.
Other names: c.-147G>C (NM_001142349.2); c.62-3771G>C (NM_001142348.2); short protein forms E62Q.
Identifiers: ClinVar variation 3950954 (VCV003950954.1).

ClinVar aggregate classification (germline): Uncertain significance (1 of 4 stars; one submission).

Conditions:
Cardiovascular phenotype. Identifiers: MedGen CN230736.

Submission:

Ambry Genetics
Classification: Uncertain significance for Cardiovascular phenotype. Last evaluated: 2025-05-14. Review status: criteria provided, single submitter. Criteria: Ambry Variant Classification Scheme 2023. Collection method: clinical testing. Allele origin: germline.
Comment: The p.E62Q variant (also known as c.184G>C), located in coding exon 2 of the SCN4B gene, results from a G to C substitution at nucleotide position 184. The glutamic acid at codon 62 is replaced by glutamine, an amino acid with highly similar properties. This amino acid position is conserved. In addition, this alteration is predicted to be tolerated by in silico analysis. Based on the available evidence, the clinical significance of this variant remains unclear.